The following is an entry in ClinVar:

NM_177438.3(DICER1):c.5765G>A (p.Ser1922Asn)

Gene: DICER1 (dicer 1, ribonuclease III; minus strand). Cytogenetic location: 14q32.13.
Variant type: single nucleotide variant.
Coding change: c.5765G>A on transcript NM_177438.3 (MANE Select); coding-DNA position 5765, G replaced by A.
Protein change: p.Ser1922Asn; replaces serine 1922 with asparagine.
Molecular consequence: missense variant. On other transcripts: 3 prime UTR variant (1).
Genome position (GRCh38, 1-based): chr14:95,090,502, C>T on the plus strand (G>A on the coding strand, the complement: DICER1 is on the minus strand). VCF-style: chr14-95090502-C-T. GRCh37 (hg19) VCF-style: chr14-95556839-C-T.
Other names: c.*112G>A (NM_001195573.1); c.5765G>A, p.Ser1922Asn (NM_001271282.3, NM_001291628.2, NM_030621.4); short protein forms S1922N.
Identifiers: ClinVar variation 840696 (VCV000840696.12), dbSNP rs1220636958, ClinGen allele CA390862833.

ClinVar aggregate classification (germline): Uncertain significance. Review status: criteria provided, multiple submitters, no conflicts (2 of 4 stars). 2 submissions from 2 submitters: Uncertain significance (2). Last evaluated 2024-09-24.

Conditions:
DICER1-related tumor predisposition. Also called: DICER1 syndrome; DICER1-related pleuropulmonary blastoma cancer predisposition syndrome. Identifiers: Orphanet 284343, MedGen C3839822, MONDO:0100216.
Hereditary cancer-predisposing syndrome. Also called: Neoplastic Syndromes, Hereditary; Hereditary neoplastic syndrome; Tumor predisposition; Hereditary Cancer Syndrome. Identifiers: Orphanet 140162, MedGen C0027672, MeSH D009386, MONDO:0015356.

Allele frequency attached by ClinVar (database versions not stated): gnomAD exomes below 0.00001.
gnomAD v4.1: 1 of 1,613,690 alleles (0.000062%); highest among the groups gnomAD compares: East Asian, 0.0022%; no homozygotes.

Submissions (2):

Ambry Genetics
Classification: Uncertain significance for Hereditary cancer-predisposing syndrome. Last evaluated: 2024-09-24. Review status: criteria provided, single submitter. Criteria: Ambry Variant Classification Scheme 2023. Collection method: clinical testing. Allele origin: germline.
Comment: The p.S1922N variant (also known as c.5765G>A), located in coding exon 26 of the DICER1 gene, results from a G to A substitution at nucleotide position 5765. The serine at codon 1922 is replaced by asparagine, an amino acid with highly similar properties. This amino acid position is well conserved in available vertebrate species. In addition, this alteration is predicted to be tolerated by in silico analysis. Based on the available evidence, the clinical significance of this variant remains unclear.

Labcorp Genetics (formerly Invitae), Labcorp
Classification: Uncertain significance for DICER1-related tumor predisposition. Last evaluated: 2022-01-28. Review status: criteria provided, single submitter. Criteria: Invitae Variant Classification Sherloc (09022015). Collection method: clinical testing. Allele origin: germline.
Comment: In summary, the available evidence is currently insufficient to determine the role of this variant in disease. Therefore, it has been classified as a Variant of Uncertain Significance. Algorithms developed to predict the effect of missense changes on protein structure and function output the following: SIFT: "Tolerated"; PolyPhen-2: "Benign"; Align-GVGD: "Class C0". The asparagine amino acid residue is found in multiple mammalian species, which suggests that this missense change does not adversely affect protein function. ClinVar contains an entry for this variant (Variation ID: 840696). This variant has not been reported in the literature in individuals affected with DICER1-related conditions. This variant is present in population databases (no rsID available, gnomAD 0.006%). This sequence change replaces serine, which is neutral and polar, with asparagine, which is neutral and polar, at codon 1922 of the DICER1 protein (p.Ser1922Asn).